The following is an entry in ClinVar:

NM_178526.5(SLC25A42):c.358A>C (p.Ser120Arg)

Gene: SLC25A42 (solute carrier family 25 member 42; plus strand). Cytogenetic location: 19p13.11.
Variant type: single nucleotide variant.
Coding change: c.358A>C on transcript NM_178526.5 (MANE Select); coding-DNA position 358, A replaced by C.
Protein change: p.Ser120Arg; replaces serine 120 with arginine.
Molecular consequence: missense variant.
Genome position (GRCh38, 1-based): chr19:19,105,705, A>C. VCF-style: chr19-19105705-A-C. GRCh37 (hg19) VCF-style: chr19-19216514-A-C.
Other names: c.358A>C, p.Ser120Arg (NM_001321544.2); short protein forms S120R.
Identifiers: ClinVar variation 2428410 (VCV002428410.4), dbSNP rs748604140, ClinGen allele CA9321444.

ClinVar aggregate classification (germline): Conflicting classifications of pathogenicity. Review status: criteria provided, conflicting classifications (1 of 4 stars). 2 submissions from 2 submitters: Uncertain significance (1); Likely benign (1). Last evaluated 2023-11-17.

Allele frequency attached by ClinVar (database versions not stated): ExAC 0.00001; gnomAD exomes 0.00002; gnomAD 0.00004; TOPMed 0.00004.
gnomAD v4.1: 29 of 1,599,734 alleles (0.0018%); highest among the groups gnomAD compares: Non-Finnish European, 0.0025%; no homozygotes.

Submissions (2):

Blueprint Genetics
Classification: Likely benign. Last evaluated: 2023-11-17. Review status: criteria provided, single submitter. Criteria: ACMG Guidelines, 2015. Collection method: clinical testing. Allele origin: germline.

Labcorp Genetics (formerly Invitae), Labcorp
Classification: Uncertain significance. Last evaluated: 2022-03-15. Review status: criteria provided, single submitter. Criteria: Invitae Variant Classification Sherloc (09022015). Collection method: clinical testing. Allele origin: germline.
Comment: This sequence change replaces serine, which is neutral and polar, with arginine, which is basic and polar, at codon 120 of the SLC25A42 protein (p.Ser120Arg). This variant is present in population databases (rs748604140, gnomAD 0.007%). This variant has not been reported in the literature in individuals affected with SLC25A42-related conditions. Algorithms developed to predict the effect of missense changes on protein structure and function output the following: SIFT: "Tolerated"; PolyPhen-2: "Benign"; Align-GVGD: "Class C0". The arginine amino acid residue is found in multiple mammalian species, which suggests that this missense change does not adversely affect protein function. In summary, the available evidence is currently insufficient to determine the role of this variant in disease. Therefore, it has been classified as a Variant of Uncertain Significance.